The following is an entry in ClinVar:

NM_000268.4(NF2):c.275T>G (p.Val92Gly)

Gene: NF2 (NF2, moesin-ezrin-radixin like (MERLIN) tumor suppressor; plus strand). Cytogenetic location: 22q12.2.
Variant type: single nucleotide variant.
Coding change: c.275T>G on transcript NM_000268.4 (MANE Select); coding-DNA position 275, T replaced by G.
Protein change: p.Val92Gly; replaces valine 92 with glycine.
Molecular consequence: missense variant. On other transcripts: 5 prime UTR variant (1), intron variant (8).
Genome position (GRCh38, 1-based): chr22:29,639,124, T>G. VCF-style: chr22-29639124-T-G. GRCh37 (hg19) VCF-style: chr22-30035113-T-G.
Other names: c.161T>G, p.Val54Gly (NM_001407053.1, NM_001407056.1); c.149T>G, p.Val50Gly (NM_001407055.1, NM_181828.3); c.275T>G, p.Val92Gly (NM_001407057.1, NM_001407059.1, NM_001407060.1 and 5 more transcripts); c.-366T>G (NM_001407065.1); c.44T>G, p.Val15Gly (NM_001407067.1); c.240+2248T>G (NM_001407058.1, NM_181829.3, NM_001407054.1 and 1 more transcripts); c.115-3078T>G (NM_001407063.1, NM_181830.3, NM_001407064.1 and 1 more transcripts); short protein forms V15G, V54G, V92G, V50G.
Identifiers: ClinVar variation 3919162 (VCV003919162.1).

ClinVar aggregate classification (germline): Uncertain significance (1 of 4 stars; one submission).

Conditions:
Hereditary cancer-predisposing syndrome. Also called: Hereditary Cancer Syndrome; Hereditary neoplastic syndrome; Neoplastic Syndromes, Hereditary; Tumor predisposition. Identifiers: Orphanet 140162, MedGen C0027672, MeSH D009386, MONDO:0015356.

Submission:

Ambry Genetics
Classification: Uncertain significance for Hereditary cancer-predisposing syndrome. Last evaluated: 2025-05-27. Review status: criteria provided, single submitter. Criteria: Ambry Variant Classification Scheme 2023. Collection method: clinical testing. Allele origin: germline.
Comment: The p.V92G variant (also known as c.275T>G), located in coding exon 3 of the NF2 gene, results from a T to G substitution at nucleotide position 275. The valine at codon 92 is replaced by glycine, an amino acid with dissimilar properties. This amino acid position is conserved. In addition, the in silico prediction for this alteration is inconclusive. Based on the available evidence, the clinical significance of this variant remains unclear.